The following is an entry in ClinVar:

ClinVar aggregate classification (germline): Likely pathogenic. Review status: criteria provided, multiple submitters, no conflicts (2 of 4 stars). 2 submissions from 2 submitters: Likely pathogenic (2). Last evaluated 2025-07-27.

Conditions:
Familial dysautonomia. Also called: HSAN III; FD. Identifiers: Orphanet 1764, MedGen C0013364, MONDO:0009131, OMIM 223900. Disease mechanism: loss of function.
ELP1-Associated Medulloblastoma. Identifiers: MedGen C5670652.

Submissions (2):

Natera, Inc.
Classification: Likely pathogenic for Familial dysautonomia. Last evaluated: 2025-07-27. Review status: criteria provided, single submitter. Criteria: Natera Variant Classification Schema (03/2026). Collection method: clinical testing. Allele origin: germline.
Comment: The c.2042_2043del variant in ELP1 is a frameshift variant predicted to shift the reading frame beginning at codon 681 and leads to a stop codon 58 codons downstream. This variant is expected to result in nonsense mediated decay, truncation, or a dysfunctional protein product. This variant is rare in the general population with a frequency below the threshold expected for the associated phenotype(s). Given the available evidence, this variant is classified as Likely Pathogenic.

Institute for Genomic Medicine (IGM) Clinical Laboratory, Nationwide Children's Hospital
Classification: Likely pathogenic for ELP1-Associated Medulloblastoma. Last evaluated: 2025-02-19. Review status: criteria provided, single submitter. Criteria: ACMG Guidelines, 2015. Collection method: clinical testing. Allele origin: germline.
Comment: This variant is predicted to result in loss of function through nonsense-mediated decay of the encoded transcript or premature truncation of the encoded protein in a gene in which loss of function is a known mechanism of disease (ACMG/AMP: PVS1; PMIDs:32296180, 34687117). This variant is absent from or present at an exceedingly low frequency in gnomAD, a large-scale control population database (ACMG/AMP: PM2).

Literature cited by the submitters: PubMed 32296180 (cited by Institute for Genomic Medicine (IGM) Clinical Laboratory, Nationwide Children's Hospital); PubMed 34687117 (cited by Institute for Genomic Medicine (IGM) Clinical Laboratory, Nationwide Children's Hospital).

NM_003640.5(ELP1):c.2042_2043del (p.His681fs)

Gene: ELP1 (elongator acetyltransferase complex subunit 1; minus strand). Cytogenetic location: 9q31.3.
Variant type: Deletion.
Coding change: c.2042_2043del on transcript NM_003640.5 (MANE Select); coding-DNA positions 2042 to 2043, 2 bases deleted (AT; older notation c.2042_2043delAT).
Protein change: p.His681fs; shifts the reading frame from histidine 681.
Molecular consequence: frameshift variant.
Genome position (GRCh38, 1-based): chr9:108,900,347-108,900,348, AT deleted on the plus strand (AT on the coding strand, the reverse complement: ELP1 is on the minus strand). VCF-style (leftmost placement, unchanged base first): chr9-108900346-CAT-C. GRCh37 (hg19) VCF-style: chr9-111662626-CAT-C.
Other names: c.2042_2043del (NM_003640.4); c.1700_1701del, p.His567fs (NM_001318360.2); c.995_996del, p.His332fs (NM_001330749.2); short protein forms H332fs, H567fs, H681fs.
Identifiers: ClinVar variation 4759291 (VCV004759291.2).